The following is an entry in ClinVar:

NM_002485.5(NBN):c.1317A>G (p.Ile439Met)

Gene: NBN (nibrin; minus strand). Cytogenetic location: 8q21.3.
Variant type: single nucleotide variant.
Coding change: c.1317A>G on transcript NM_002485.5 (MANE Select); coding-DNA position 1317, A replaced by G.
Protein change: p.Ile439Met; replaces isoleucine 439 with methionine.
Molecular consequence: missense variant.
Genome position (GRCh38, 1-based): chr8:89,955,363, T>C on the plus strand (A>G on the coding strand, the complement: NBN is on the minus strand). VCF-style: chr8-89955363-T-C. GRCh37 (hg19) VCF-style: chr8-90967591-T-C.
Other names: p.I439M:ATA>ATG; c.1071A>G, p.Ile357Met (NM_001024688.3); short protein forms I439M, I357M.
Identifiers: ClinVar variation 127858 (VCV000127858.44), dbSNP rs28538230, ClinGen allele CA200704.

ClinVar aggregate classification (germline): Conflicting classifications of pathogenicity. Review status: criteria provided, conflicting classifications (1 of 4 stars). 14 submissions from 14 submitters: Uncertain significance (3); Benign (2); Likely benign (7). 2 of the submissions do not count toward it. Last evaluated 2026-04-21.

Conditions:
NBN-related disorder. Also called: NBN-related condition.
Hereditary cancer-predisposing syndrome. Also called: Neoplastic Syndromes, Hereditary; Hereditary Cancer Syndrome; Tumor predisposition; Hereditary neoplastic syndrome. Identifiers: Orphanet 140162, MedGen C0027672, MeSH D009386, MONDO:0015356.
Aplastic anemia. Identifiers: Orphanet 182040, Orphanet 88, MedGen C0002874, MONDO:0015909, OMIM 609135, HP:0001915.
Microcephaly, normal intelligence and immunodeficiency (NBS). Also called: SEEMANOVA SYNDROME II; BERLIN BREAKAGE SYNDROME; IMMUNODEFICIENCY, MICROCEPHALY, AND CHROMOSOMAL INSTABILITY; Nijmegen breakage syndrome; Microcephaly with normal intelligence immunodeficiency and lymphoreticular malignancies; Nonsyndromal microcephaly autosomal recessive with normal intelligence. Identifiers: Orphanet 647, MedGen C0398791, MONDO:0009623, OMIM 251260.
Malignant tumor of breast. Also called: Malignant breast neoplasm; Cancer breast. Identifiers: MedGen C0006142, MONDO:0007254. Disease mechanism: loss of function.

Allele frequency attached by ClinVar (database versions not stated): gnomAD exomes 0.00027 and 0.00010; ExAC 0.00039; TOPMed 0.00114; 1000 Genomes Project 0.00040; 1000 Genomes Project 30x 0.00078; gnomAD 0.00104 and 0.00114; ESP Exome Variant Server 0.00192.
gnomAD v4.1: 308 of 1,613,870 alleles (0.019%); highest among the groups gnomAD compares: African/African-American, 0.38%; 1 homozygote.

Submissions (14):

Dasa
Classification: Likely benign. Last evaluated: 2026-04-21. Review status: criteria provided, single submitter. Criteria: DASA Assertion Criteria. Collection method: clinical testing. Allele origin: germline.
Comment: NM_002485.5(NBN):c.1317A>G (p.Ile439Met) is a missense variant that results in the substitution of isoleucine with methionine. Population frequency is inconsistent with a disease-causing role for this variant, and observations in unaffected individuals support a benign interpretation. Computational prediction algorithms are consistent with a benign effect. Therefore, based on the currently available evidence, this variant is classified as likely benign.

Labcorp Genetics (formerly Invitae), Labcorp
Classification: Benign for Microcephaly, normal intelligence and immunodeficiency. Last evaluated: 2026-02-01. Review status: criteria provided, single submitter. Criteria: Invitae Variant Classification Sherloc (09022015). Collection method: clinical testing. Allele origin: germline.

Institute for Biomarker Research, Medical Diagnostic Laboratories, L.L.C.
Classification: Uncertain significance for Hereditary cancer-predisposing syndrome. Last evaluated: 2025-12-15. Review status: criteria provided, single submitter. Criteria: ACMG Guidelines, 2015. Collection method: clinical testing. Allele origin: germline.
Comment: The missense variant NM_002485.5(NBN):c.1317A>G (p.Ile439Met) has not been reported previously as a pathogenic variant, to our knowledge (Accession: VCV000127858.40). The p.Ile439Met variant is observed in 67/16,248 (0.4124%) alleles from individuals of gnomAD African background in gnomAD, which is greater than expected for the disorder. There is a small physicochemical difference between isoleucine and methionine, which is not likely to impact secondary protein structure as these residues share similar properties. For these reasons, this variant has been classified as Uncertain Significance.

Quest Diagnostics Nichols Institute San Juan Capistrano
Classification: Likely benign. Last evaluated: 2025-01-22. Review status: criteria provided, single submitter. Criteria: Quest Diagnostics criteria. Collection method: clinical testing. Allele origin: unknown.

Women's Health and Genetics/Laboratory Corporation of America, LabCorp
Classification: Benign. Last evaluated: 2022-06-21. Review status: criteria provided, single submitter. Criteria: LabCorp Variant Classification Summary - May 2015. Collection method: clinical testing. Allele origin: germline.
Comment: Variant summary: NBN c.1317A>G (p.Ile439Met) results in a conservative amino acid change in the encoded protein sequence. Five of five in-silico tools predict a benign effect of the variant on protein function. The variant allele was found at a frequency of 0.00027 in 251276 control chromosomes, predominantly at a frequency of 0.0041 within the African or African-American subpopulation in the gnomAD database. The observed variant frequency within African or African-American control individuals in the gnomAD database is approximately 1.64 fold of the estimated maximal expected allele frequency for a pathogenic variant in NBN causing Nijmegen Breakage Syndrome phenotype (0.0025), strongly suggesting that the variant is a benign polymorphism found primarily in populations of African or African-American origin. In addition, the variant was reported in 23/2559 African American women including 1 homozygote (i.e. with a frequency of 0.009), who were older than 70 years of age, and never had cancer (FLOSSIES database). These data strongly suggest that the variant is a benign polymorphism found primarily in populations of African origin. To our knowledge, no experimental evidence demonstrating an impact on protein function has been reported. Eight clinical diagnostic laboratories have submitted clinical-significance assessments for this variant to ClinVar after 2014 without evidence for independent evaluation. Multiple laboratories reported the variant with a predominant consensus as benign/likely benign (n=6); (VUS, n=2). Based on the evidence outlined above, the variant was classified as benign.

Genome-Nilou Lab
Classification: Likely benign for Microcephaly, normal intelligence and immunodeficiency. Last evaluated: 2021-11-07. Review status: criteria provided, single submitter. Criteria: ACMG Guidelines, 2015. Collection method: clinical testing. Allele origin: germline. Affected: no.

GeneDx
Classification: Likely benign. Last evaluated: 2021-11-04. Review status: criteria provided, single submitter. Criteria: GeneDx Variant Classification Process June 2021. Collection method: clinical testing. Allele origin: germline. Affected: yes.
Comment: This variant is associated with the following publications: (PMID: 27443514, 25980754, 23555315, 26979391)

Sema4
Classification: Likely benign for Hereditary cancer-predisposing syndrome. Last evaluated: 2021-03-03. Review status: criteria provided, single submitter. Criteria: Sema4 Curation Guidelines. Collection method: curation. Allele origin: germline.

Baylor Genetics
Classification: Uncertain significance for Aplastic anemia. Last evaluated: 2019-01-13. Review status: criteria provided, single submitter. Criteria: ACMG Guidelines, 2015. Collection method: clinical testing. Allele origin: unknown. Affected: yes. Study: CSER-TexasKidsCanSeq.
Comment: This variant was determined to be of uncertain significance according to ACMG Guidelines, 2015 [PMID:25741868].

Ambry Genetics
Classification: Likely benign for Hereditary cancer-predisposing syndrome. Last evaluated: 2018-04-20. Review status: criteria provided, single submitter. Criteria: Ambry Variant Classification Scheme 2023. Collection method: clinical testing. Allele origin: germline.

Illumina Laboratory Services, Illumina
Classification: Uncertain significance for Microcephaly, normal intelligence and immunodeficiency. Last evaluated: 2018-01-13. Review status: criteria provided, single submitter. Criteria: ICSL Variant Classification Criteria 13 December 2019. Collection method: clinical testing. Allele origin: germline.

Eurofins Ntd Llc (ga)
Classification: Likely benign. Last evaluated: 2014-07-16. Review status: criteria provided, single submitter. Criteria: EGL Classification Definitions 2015. Collection method: clinical testing. Allele origin: germline. Observed: 1 variant allele, 1 heterozygote.

PreventionGenetics, part of Exact Sciences
Classification: Likely benign for NBN-related condition. Last evaluated: 2024-04-30. Review status: no assertion criteria provided. Collection method: clinical testing. Allele origin: germline. Not counted in ClinVar's aggregate classification.
Comment: This variant is classified as likely benign based on ACMG/AMP sequence variant interpretation guidelines (Richards et al. 2015 PMID: 25741868, with internal and published modifications).

Department of Pathology and Laboratory Medicine, Sinai Health System
Classification: Uncertain significance for Malignant tumor of breast. Review status: no assertion criteria provided. Collection method: clinical testing. Allele origin: unknown. Affected: yes. Study: The Canadian Open Genetics Repository (COGR). Not counted in ClinVar's aggregate classification.
Comment: The NBN p.Ile439Met variant was identified in 2 of 3282 proband chromosomes (frequency: 0.0006) from individuals or families with Lynch syndrome or endometrial carcinoma (Yurgelun 2015, Ring 2016). The variant was also identified in dbSNP (ID: rs28538230) as "With Likely benign allele", ClinVar (classified as likely benign by GeneDx, Ambry Genetics, Invitae, and three other clinical laboratories), and the Zhejiang University Databse (1x). The variant was not identified in Cosmic or LOVD 3.0 databases. The variant was identified in control databases in 96 of 277020 chromosomes at a frequency of 0.0004, increasing the likelihood this could be a low frequency benign variant (Genome Aggregation Database Feb 27, 2017). The variant was observed in the following populations: African in 95 of 24024 chromosomes (freq: 0.004), Latino in 1 of 34398 chromosomes (freq: 0.00003), while the variant was not observed in the Other, European, Ashkenazi Jewish, East Asian, Finnish, or South Asian populations. The p.Ile439 residue is not conserved in mammals and computational analyses (PolyPhen-2, SIFT, AlignGVGD, BLOSUM, MutationTaster) do not suggest a high likelihood of impact to the protein; however, this information is not predictive enough to rule out pathogenicity. The variant occurs outside of the splicing consensus sequence but 2 of 4 in silico or computational prediction software programs (SpliceSiteFinder, MaxEntScan, NNSPLICE, GeneSplicer) predict a greater than 10% difference in splicing; however, this is not very predictive of pathogenicity. In summary, based on the above information, the clinical significance of this variant cannot be determined with certainty at this time. This variant is classified as a variant of uncertain significance.

Literature cited by the submitters: PubMed 32885271 (cited by Quest Diagnostics Nichols Institute San Juan Capistrano); PubMed 31422574 (cited by Quest Diagnostics Nichols Institute San Juan Capistrano and Women's Health and Genetics/Laboratory Corporation of America, LabCorp); PubMed 29596542 (cited by Quest Diagnostics Nichols Institute San Juan Capistrano and Women's Health and Genetics/Laboratory Corporation of America, LabCorp); PubMed 33471991 (cited by Quest Diagnostics Nichols Institute San Juan Capistrano); PubMed 23555315 (cited by Quest Diagnostics Nichols Institute San Juan Capistrano and Women's Health and Genetics/Laboratory Corporation of America, LabCorp); PubMed 31278556 (cited by Quest Diagnostics Nichols Institute San Juan Capistrano and Women's Health and Genetics/Laboratory Corporation of America, LabCorp); PubMed 25980754 (cited by Quest Diagnostics Nichols Institute San Juan Capistrano and Women's Health and Genetics/Laboratory Corporation of America, LabCorp); PubMed 27443514 (cited by Quest Diagnostics Nichols Institute San Juan Capistrano and Women's Health and Genetics/Laboratory Corporation of America, LabCorp).